The following is an entry in ClinVar:

NM_001396959.1(TBC1D1):c.143G>A (p.Arg48Gln)

Gene: TBC1D1 (TBC1 domain family member 1; plus strand). Cytogenetic location: 4p14.
Variant type: single nucleotide variant.
Coding change: c.143G>A on transcript NM_001396959.1 (MANE Select); coding-DNA position 143, G replaced by A.
Protein change: p.Arg48Gln; replaces arginine 48 with glutamine.
Molecular consequence: missense variant.
Genome position (GRCh38, 1-based): chr4:37,902,238, G>A. VCF-style: chr4-37902238-G-A. GRCh37 (hg19) VCF-style: chr4-37903859-G-A.
Other names: c.143G>A, p.Arg48Gln (NM_001253912.2, NM_015173.4); short protein forms R48Q.
Identifiers: ClinVar variation 3030619 (VCV003030619.2), dbSNP rs760635855, ClinGen allele CA2887211.

ClinVar aggregate classification (germline): Uncertain significance (0 of 4 stars; one submission).

Conditions:
TBC1D1-related disorder. Also called: TBC1D1-related condition.

Allele frequency attached by ClinVar (database versions not stated): gnomAD 0.00001; ExAC 0.00002; gnomAD exomes 0.00002.
gnomAD v4.1: 27 of 1,613,928 alleles (0.0017%); highest among the groups gnomAD compares: South Asian, 0.012%; no homozygotes.

Submission:

PreventionGenetics, part of Exact Sciences
Classification: Uncertain significance for TBC1D1-related condition. Last evaluated: 2024-02-22. Review status: no assertion criteria provided. Collection method: clinical testing. Allele origin: germline.
Comment: The TBC1D1 c.143G>A variant is predicted to result in the amino acid substitution p.Arg48Gln. To our knowledge, this variant has not been reported in the literature. This variant is reported in 0.026% of alleles in individuals of South Asian descent in gnomAD. At this time, the clinical significance of this variant is uncertain due to the absence of conclusive functional and genetic evidence.